The following is an entry in ClinVar:

NM_000179.3(MSH6):c.222A>T (p.Gly74=)

Gene: MSH6 (mutS homolog 6; plus strand). Cytogenetic location: 2p16.3.
Variant type: single nucleotide variant.
Coding change: c.222A>T on transcript NM_000179.3 (MANE Select); coding-DNA position 222, A replaced by T.
Protein change: p.Gly74=; no amino-acid change (glycine 74 retained).
Molecular consequence: synonymous variant. On other transcripts: 5 prime UTR variant (1).
Genome position (GRCh38, 1-based): chr2:47,783,455, A>T. VCF-style: chr2-47783455-A-T. GRCh37 (hg19) VCF-style: chr2-48010594-A-T.
Other names: c.222A>T, p.Gly74= (NM_001281492.2); c.-515A>T (NM_001281493.2).
Identifiers: ClinVar variation 455181 (VCV000455181.10), dbSNP rs888377589, ClinGen allele CA426120828.

ClinVar aggregate classification (germline): Conflicting classifications of pathogenicity. Review status: criteria provided, conflicting classifications (1 of 4 stars). 2 submissions from 2 submitters: Uncertain significance (1); Likely benign (1). Last evaluated 2026-06-18.

Conditions:
Hereditary cancer-predisposing syndrome. Also called: Neoplastic Syndromes, Hereditary; Hereditary neoplastic syndrome; Hereditary Cancer Syndrome; Tumor predisposition. Identifiers: Orphanet 140162, MedGen C0027672, MeSH D009386, MONDO:0015356.
Hereditary nonpolyposis colorectal neoplasms. Identifiers: MedGen C0009405, MeSH D003123.

gnomAD v4.1: 1 of 1,463,800 alleles (0.000068%); highest among the groups gnomAD compares: Middle Eastern, 0.018%; no homozygotes.

Submissions (2):

Ambry Genetics
Classification: Likely benign for Hereditary cancer-predisposing syndrome. Last evaluated: 2026-06-18. Review status: criteria provided, single submitter. Criteria: Ambry Variant Classification Scheme 2023. Collection method: clinical testing. Allele origin: germline.

Labcorp Genetics (formerly Invitae), Labcorp
Classification: Uncertain significance for Hereditary nonpolyposis colorectal neoplasms. Last evaluated: 2017-05-11. Review status: criteria provided, single submitter. Criteria: Invitae Variant Classification Sherloc (09022015). Collection method: clinical testing. Allele origin: germline.
Comment: This sequence change affects codon 74 of the MSH6 mRNA. It is a 'silent' change, meaning that it does not change the encoded amino acid sequence of the MSH6 protein. While this variant is not present in population databases, the frequency information is unreliable, as metrics indicate poor data quality at this position in the ExAC database. This variant has not been reported in the literature in individuals with an MSH6-related disease. In summary, this is a novel silent change with uncertain impact on splicing. It has been classified as a Variant of Uncertain Significance. Algorithms developed to predict the effect of sequence changes on RNA splicing suggest that this variant may alter RNA splicing, but this prediction has not been confirmed by published transcriptional studies.